The following is an entry in ClinVar:

NM_006623.4(PHGDH):c.919del (p.Met306_Val307insTer)

Gene: PHGDH (phosphoglycerate dehydrogenase; plus strand). Cytogenetic location: 1p12.
Variant type: Deletion.
Coding change: c.919del on transcript NM_006623.4 (MANE Select); coding-DNA position 919, one base deleted (G; older notation c.919delG).
Protein change: p.Met306_Val307insTer.
Molecular consequence: nonsense.
Genome position (GRCh38, 1-based): chr1:119,737,240, G deleted; the last of 2 consecutive G bases (chr1:119,737,239-119,737,240); deleting either gives the same sequence. VCF-style (leftmost placement, unchanged base first): chr1-119737238-TG-T. GRCh37 (hg19) VCF-style: chr1-120279861-TG-T.
Identifiers: ClinVar variation 1455703 (VCV001455703.6), dbSNP rs2101205361, ClinGen allele CA2573131040.

ClinVar aggregate classification (germline): Pathogenic (1 of 4 stars; one submission).

Conditions:
PHGDH deficiency. Identifiers: Orphanet 79351, MedGen C1866174, MONDO:0011152, OMIM 601815.

Submission:

Labcorp Genetics (formerly Invitae), Labcorp
Classification: Pathogenic for PHGDH deficiency. Last evaluated: 2022-02-01. Review status: criteria provided, single submitter. Criteria: Invitae Variant Classification Sherloc (09022015). Collection method: clinical testing. Allele origin: germline.
Comment: This sequence change creates a premature translational stop signal (p.Val307*) in the PHGDH gene. It is expected to result in an absent or disrupted protein product. Loss-of-function variants in PHGDH are known to be pathogenic (PMID: 14645240, 24836451). This variant is not present in population databases (gnomAD no frequency). This variant has not been reported in the literature in individuals affected with PHGDH-related conditions. For these reasons, this variant has been classified as Pathogenic.

Literature cited by the submitters: PubMed 14645240; PubMed 24836451.